The following is an entry in ClinVar:

NM_015325.3(ICE1):c.6524G>A (p.Arg2175His)

Gene: ICE1 (interactor of little elongation complex ELL subunit 1; plus strand). Cytogenetic location: 5p15.32.
Variant type: single nucleotide variant.
Coding change: c.6524G>A on transcript NM_015325.3 (MANE Select); coding-DNA position 6524, G replaced by A.
Protein change: p.Arg2175His; replaces arginine 2175 with histidine.
Molecular consequence: missense variant.
Genome position (GRCh38, 1-based): chr5:5,486,724, G>A. VCF-style: chr5-5486724-G-A. GRCh37 (hg19) VCF-style: chr5-5486837-G-A.
Other names: short protein forms R2175H.
Identifiers: ClinVar variation 4677553 (VCV004677553.1).

ClinVar aggregate classification (germline): Uncertain significance (1 of 4 stars; one submission).

gnomAD v4.1: 36 of 1,593,898 alleles (0.0023%); highest among the groups gnomAD compares: African/African-American, 0.004%; no homozygotes.

Submission:

Ambry Genetics
Classification: Uncertain significance. Last evaluated: 2025-09-28. Review status: criteria provided, single submitter. Criteria: Ambry Variant Classification Scheme 2023. Collection method: clinical testing. Allele origin: germline.
Comment: The c.6524G>A (p.R2175H) alteration is located in exon 18 (coding exon 18) of the ICE1 gene. This alteration results from a G to A substitution at nucleotide position 6524, causing the arginine (R) at amino acid position 2175 to be replaced by a histidine (H). Based on data from gnomAD, the A allele has an overall frequency of 0.001% (2/220952) total alleles studied. The highest observed frequency was 0.004% (1/26972) of South Asian alleles. Based on insufficient or conflicting evidence, the clinical significance of this alteration remains unclear.